The following is an entry in ClinVar:

ClinVar aggregate classification (germline): Uncertain significance (1 of 4 stars; one submission).

Conditions:
Atrioventricular septal defect 5 (AVSD5). Identifiers: MedGen C3280939, MONDO:0013769, OMIM 614474.

Allele frequency attached by ClinVar (database versions not stated): gnomAD 0.00001.
gnomAD v4.1: 11 of 1,201,268 alleles (0.00092%); highest among the groups gnomAD compares: African/African-American, 0.0016%; no homozygotes.

Submission:

Labcorp Genetics (formerly Invitae), Labcorp
Classification: Uncertain significance for Atrioventricular septal defect 5. Last evaluated: 2022-03-18. Review status: criteria provided, single submitter. Criteria: Invitae Variant Classification Sherloc (09022015). Collection method: clinical testing. Allele origin: germline.
Comment: This sequence change replaces methionine, which is neutral and non-polar, with threonine, which is neutral and polar, at codon 271 of the GATA6 protein (p.Met271Thr). This variant is not present in population databases (gnomAD no frequency). This variant has not been reported in the literature in individuals affected with GATA6-related conditions. Algorithms developed to predict the effect of missense changes on protein structure and function are either unavailable or do not agree on the potential impact of this missense change (SIFT: "Deleterious"; PolyPhen-2: "Benign"; Align-GVGD: "Class C0"). In summary, the available evidence is currently insufficient to determine the role of this variant in disease. Therefore, it has been classified as a Variant of Uncertain Significance.

NM_005257.6(GATA6):c.812T>C (p.Met271Thr)

Gene: GATA6 (GATA binding protein 6; plus strand). Cytogenetic location: 18q11.2.
Variant type: single nucleotide variant.
Coding change: c.812T>C on transcript NM_005257.6 (MANE Select); coding-DNA position 812, T replaced by C.
Protein change: p.Met271Thr; replaces methionine 271 with threonine.
Molecular consequence: missense variant.
Genome position (GRCh38, 1-based): chr18:22,171,956, T>C. VCF-style: chr18-22171956-T-C. GRCh37 (hg19) VCF-style: chr18-19751917-T-C.
Other names: short protein forms M271T.
Identifiers: ClinVar variation 1914831 (VCV001914831.5), dbSNP rs1245091745, ClinGen allele CA401800929.